The following is an entry in ClinVar:

ClinVar aggregate classification (germline): Uncertain significance. Review status: criteria provided, multiple submitters, no conflicts (2 of 4 stars). 2 submissions from 2 submitters: Uncertain significance (2). Last evaluated 2022-11-23.

Conditions:
Congenital myotonia, autosomal recessive form. Also called: Becker Generalized Myotonia; myotonia congenita, autosomal recessive; BECKER DISEASE. Identifiers: Orphanet 614, MedGen C0751360, MONDO:0009715, OMIM 255700.
Congenital myotonia, autosomal dominant form (THD). Also called: THOMSEN DISEASE; Myotonia congenita autosomal dominant. Identifiers: Orphanet 614, MedGen C2936781, MONDO:0008055, OMIM 160800.

gnomAD v4.1: 1 of 1,589,600 alleles (0.000063%); highest among the groups gnomAD compares: Non-Finnish European, 0.000086%; no homozygotes.

Submissions (2):

Labcorp Genetics (formerly Invitae), Labcorp
Classification: Uncertain significance for Congenital myotonia, autosomal recessive form; Congenital myotonia, autosomal dominant form. Last evaluated: 2022-11-23. Review status: criteria provided, single submitter. Criteria: Invitae Variant Classification Sherloc (09022015). Collection method: clinical testing. Allele origin: germline.
Comment: This sequence change falls in intron 10 of the CLCN1 gene. It does not directly change the encoded amino acid sequence of the CLCN1 protein. It affects a nucleotide within the consensus splice site. This variant is not present in population databases (gnomAD no frequency). This variant has been observed in individuals with autosomal recessive CLCN1-related conditions (PMID: 33263785; Invitae). ClinVar contains an entry for this variant (Variation ID: 804700). Variants that disrupt the consensus splice site are a relatively common cause of aberrant splicing (PMID: 17576681, 9536098). Algorithms developed to predict the effect of sequence changes on RNA splicing suggest that this variant may disrupt the consensus splice site. In summary, the available evidence is currently insufficient to determine the role of this variant in disease. Therefore, it has been classified as a Variant of Uncertain Significance.

Athena Diagnostics
Classification: Uncertain significance. Last evaluated: 2019-04-08. Review status: criteria provided, single submitter. Criteria: Athena Diagnostics Criteria. Collection method: clinical testing. Allele origin: germline.

Literature cited by the submitters: PubMed 33263785 (cited by Labcorp Genetics (formerly Invitae), Labcorp); PubMed 17576681 (cited by Labcorp Genetics (formerly Invitae), Labcorp); PubMed 9536098 (cited by Labcorp Genetics (formerly Invitae), Labcorp).

NM_000083.3(CLCN1):c.1166+5G>A

Gene: CLCN1 (chloride voltage-gated channel 1; plus strand). Cytogenetic location: 7q34.
Variant type: single nucleotide variant.
Coding change: c.1166+5G>A on transcript NM_000083.3 (MANE Select); 5 bases into the intron after coding-DNA position 1166, G replaced by A.
Molecular consequence: intron variant.
Genome position (GRCh38, 1-based): chr7:143,331,657, G>A. VCF-style: chr7-143331657-G-A. GRCh37 (hg19) VCF-style: chr7-143028750-G-A.
Identifiers: ClinVar variation 804700 (VCV000804700.4), dbSNP rs1586497958, ClinGen allele CA915945542.